The following is an entry in ClinVar:

ClinVar aggregate classification (germline): Pathogenic. Review status: criteria provided, multiple submitters, no conflicts (2 of 4 stars). 5 submissions from 5 submitters: Pathogenic (5). Last evaluated 2024-02-22.

Conditions:
Usher syndrome. Also called: Usher's syndrome; Usher Syndromes. Identifiers: Orphanet 886, MedGen CN469326, MeSH D052245, MONDO:0019501. Disease mechanism: loss of function.
Retinitis pigmentosa 39 (RP39). Identifiers: Orphanet 791, MedGen C3151138, MONDO:0013436, OMIM 613809.
Usher syndrome type 2A. Also called: USHER SYNDROME, TYPE IIA; RETINAL DISEASE IN USHER SYNDROME TYPE IIA, MODIFIER OF. Identifiers: Orphanet 231178, Orphanet 886, MedGen C1848634, MONDO:0010169, OMIM 276901.

Allele frequency attached by ClinVar (database versions not stated): gnomAD exomes below 0.00001; TOPMed 0.00001.
gnomAD v4.1: 1 of 1,613,546 alleles (0.000062%); highest among the groups gnomAD compares: East Asian, 0.0022%; no homozygotes.

Submissions (5):

Baylor Genetics
Classification: Pathogenic for Retinitis pigmentosa 39. Last evaluated: 2024-02-22. Review status: criteria provided, single submitter. Criteria: ACMG Guidelines, 2015. Collection method: clinical testing. Allele origin: unknown.

Genome-Nilou Lab
Classification: Pathogenic for Usher syndrome type 2A. Last evaluated: 2023-11-04. Review status: criteria provided, single submitter. Criteria: ACMG Guidelines, 2015. Collection method: clinical testing. Allele origin: germline. Affected: no.

3billion
Classification: Pathogenic for Retinitis pigmentosa 39. Last evaluated: 2023-08-27. Review status: criteria provided, single submitter. Criteria: ACMG Guidelines, 2015. Collection method: clinical testing. Allele origin: germline. Affected: yes.
Comment: The variant is not observed in the gnomAD v2.1.1 dataset. Predicted Consequence/Location: Stop-gained (nonsense): predicted to result in a loss or disruption of normal protein function through nonsense-mediated decay (NMD) or protein truncation. Multiple pathogenic variants are reported downstream of the variant. The variant has been reported at least twice as pathogenic without evidence for the classification (ClinVar ID: VCV001456003 /PMID: 31144483). Therefore, this variant is classified as Pathogenic according to the recommendation of ACMG/AMP guideline.

Women's Health and Genetics/Laboratory Corporation of America, LabCorp
Classification: Pathogenic for Usher syndrome. Last evaluated: 2022-11-21. Review status: criteria provided, single submitter. Criteria: LabCorp Variant Classification Summary - May 2015. Collection method: clinical testing. Allele origin: germline.
Comment: Variant summary: USH2A c.4217C>A (p.Ser1406X) results in a premature termination codon, predicted to cause a truncation of the encoded protein or absence of the protein due to nonsense mediated decay, which are commonly known mechanisms for disease. Truncations downstream of this position have been classified as pathogenic by our laboratory. The variant was absent in 250934 control chromosomes (gnomAD). c.4217C>A has been reported in the literature in individuals affected with Usher Syndrome and other retinopathies (e.g. Kim_2019, He_2020, Meng_2021, Zhu_2021, Bai_2021). These data indicate that the variant is likely to be associated with disease. To our knowledge, no experimental evidence demonstrating an impact on protein function has been reported. One clinical diagnostic laboratory has submitted a clinical-significance assessment for this variant to ClinVar after 2014 and classified the variant as pathogenic. Based on the evidence outlined above, the variant was classified as pathogenic.

Labcorp Genetics (formerly Invitae), Labcorp
Classification: Pathogenic. Last evaluated: 2021-12-03. Review status: criteria provided, single submitter. Criteria: Invitae Variant Classification Sherloc (09022015). Collection method: clinical testing. Allele origin: germline.
Comment: For these reasons, this variant has been classified as Pathogenic. This premature translational stop signal has been observed in individual(s) with USH2A-related conditions (PMID: 31144483, 32093671, 33781268). This variant is not present in population databases (gnomAD no frequency). This sequence change creates a premature translational stop signal (p.Ser1406*) in the USH2A gene. It is expected to result in an absent or disrupted protein product. Loss-of-function variants in USH2A are known to be pathogenic (PMID: 10729113, 10909849, 20507924, 25649381).

Literature cited by the submitters: PubMed 31144483 (cited by 3 submitters); PubMed 32675063 (cited by Women's Health and Genetics/Laboratory Corporation of America, LabCorp); PubMed 30826590 (cited by Women's Health and Genetics/Laboratory Corporation of America, LabCorp); PubMed 33124170 (cited by Women's Health and Genetics/Laboratory Corporation of America, LabCorp); PubMed 33781268 (cited by Women's Health and Genetics/Laboratory Corporation of America, LabCorp and Labcorp Genetics (formerly Invitae), Labcorp); PubMed 32093671 (cited by Women's Health and Genetics/Laboratory Corporation of America, LabCorp and Labcorp Genetics (formerly Invitae), Labcorp); PubMed 10729113 (cited by Labcorp Genetics (formerly Invitae), Labcorp); PubMed 10909849 (cited by Labcorp Genetics (formerly Invitae), Labcorp); PubMed 20507924 (cited by Labcorp Genetics (formerly Invitae), Labcorp); PubMed 25649381 (cited by Labcorp Genetics (formerly Invitae), Labcorp).

NM_206933.4(USH2A):c.4217C>A (p.Ser1406Ter)

Genes: USH2A (usherin; minus strand), USH2A-AS1 (USH2A antisense RNA 1; plus strand). Cytogenetic location: 1q41.
Variant type: single nucleotide variant.
Coding change: c.4217C>A on transcript NM_206933.4 (MANE Select); coding-DNA position 4217, C replaced by A.
Protein change: p.Ser1406Ter; replaces serine 1406 with a stop codon.
Molecular consequence: nonsense.
Genome position (GRCh38, 1-based): chr1:216,196,587, G>T on the plus strand (C>A on the coding strand, the complement: USH2A is on the minus strand). VCF-style: chr1-216196587-G-T. GRCh37 (hg19) VCF-style: chr1-216369929-G-T.
Other names: c.4217C>A, p.Ser1406Ter (NM_007123.6); short protein forms S1406*.
Identifiers: ClinVar variation 1456003 (VCV001456003.11), dbSNP rs1308702971, ClinGen allele CA344866217.